The following is an entry in ClinVar:

ClinVar aggregate classification (germline): Uncertain significance (1 of 4 stars; one submission).

Allele frequency attached by ClinVar (database versions not stated): gnomAD 0.00001; ExAC 0.00002; 1000 Genomes Project 30x 0.00016; 1000 Genomes Project 0.00020.
gnomAD v4.1: 3 of 1,614,106 alleles (0.00019%); highest among the groups gnomAD compares: East Asian, 0.0067%; no homozygotes.

Submissions (2):

Labcorp Genetics (formerly Invitae), Labcorp
Classification: Uncertain significance. Last evaluated: 2022-02-20. Review status: criteria provided, single submitter. Criteria: Invitae Variant Classification Sherloc (09022015). Collection method: clinical testing. Allele origin: germline.
Comment: This sequence change replaces alanine, which is neutral and non-polar, with glycine, which is neutral and non-polar, at codon 2547 of the SZT2 protein (p.Ala2547Gly). This variant is present in population databases (rs531871525, gnomAD 0.006%). This variant has not been reported in the literature in individuals affected with SZT2-related conditions. Algorithms developed to predict the effect of missense changes on protein structure and function (SIFT, PolyPhen-2, Align-GVGD) all suggest that this variant is likely to be tolerated. Algorithms developed to predict the effect of sequence changes on RNA splicing suggest that this variant may create or strengthen a splice site. In summary, the available evidence is currently insufficient to determine the role of this variant in disease. Therefore, it has been classified as a Variant of Uncertain Significance.

Dr. Peter K. Rogan Lab, Western University
No classification provided (evidence only). Condition: Gastric cancer. Review status: no classification provided. Collection method: in vitro. Allele origin: not applicable. Functional consequence: retained intron. Not counted in ClinVar's aggregate classification.

NM_001365999.1(SZT2):c.7811C>G (p.Ala2604Gly)

Gene: SZT2 (SZT2 subunit of KICSTOR complex; plus strand). Cytogenetic location: 1p34.2.
Variant type: single nucleotide variant.
Coding change: c.7811C>G on transcript NM_001365999.1 (MANE Select); coding-DNA position 7811, C replaced by G.
Protein change: p.Ala2604Gly; replaces alanine 2604 with glycine.
Molecular consequence: missense variant.
Genome position (GRCh38, 1-based): chr1:43,442,068, C>G. VCF-style: chr1-43442068-C-G. GRCh37 (hg19) VCF-style: chr1-43907739-C-G.
Other names: c.7640C>G, p.Ala2547Gly (NM_015284.4); short protein forms A2604G, A2547G.
Identifiers: ClinVar variation 2179691 (VCV002179691.4), dbSNP rs531871525, ClinGen allele CA810345.
Genomic context (GRCh38, chr1:43,442,068, plus strand): 5'-AGCCAGAGATCTTCGGCCCTTGTTCCCCTGGGCAACTGGGCCCCTCTCCCCGCCCTGCAG[C>G]TGAGCGGCATCTGCTGCTTCTGGGAAGGAACTTCTTGCAGTGGAGGAGACCAACACAGCA-3'
Protein context (NP_001352928.1, residues 2594-2614): GQLGPSPRPA[Ala2604Gly]ERHLLLLGRN